The following is an entry in ClinVar:

NM_000256.3(MYBPC3):c.1364del (p.Leu455fs)

Gene: MYBPC3 (myosin binding protein C3; minus strand). Cytogenetic location: 11p11.2.
Variant type: Deletion.
Coding change: c.1364del on transcript NM_000256.3 (MANE Select); coding-DNA position 1364, one base deleted (T; older notation c.1364delT).
Protein change: p.Leu455fs; shifts the reading frame from leucine 455.
Molecular consequence: frameshift variant.
Genome position (GRCh38, 1-based): chr11:47,342,923, A deleted on the plus strand (T on the coding strand, the reverse complement: MYBPC3 is on the minus strand). VCF-style (leftmost placement, unchanged base first): chr11-47342922-GA-G. GRCh37 (hg19) VCF-style: chr11-47364473-GA-G.
Other names: short protein forms L455fs.
Identifiers: ClinVar variation 1994281 (VCV001994281.4), dbSNP rs2495763599, ClinGen allele CA2580084271.

ClinVar aggregate classification (germline): Pathogenic (1 of 4 stars; one submission).

Conditions:
Hypertrophic cardiomyopathy. Also called: HYPERTROPHIC MYOCARDIOPATHY. Identifiers: Orphanet 217569, MedGen C0007194, MeSH D002312, MONDO:0005045, HP:0001639.

Submission:

Labcorp Genetics (formerly Invitae), Labcorp
Classification: Pathogenic for Hypertrophic cardiomyopathy. Last evaluated: 2022-05-14. Review status: criteria provided, single submitter. Criteria: Invitae Variant Classification Sherloc (09022015). Collection method: clinical testing. Allele origin: germline.
Comment: For these reasons, this variant has been classified as Pathogenic. This variant has not been reported in the literature in individuals affected with MYBPC3-related conditions. This variant is not present in population databases (gnomAD no frequency). This sequence change creates a premature translational stop signal (p.Leu455Profs*11) in the MYBPC3 gene. It is expected to result in an absent or disrupted protein product. Loss-of-function variants in MYBPC3 are known to be pathogenic (PMID: 19574547).

Literature cited by the submitters: PubMed 19574547.